The following is an entry in ClinVar:

ClinVar aggregate classification (germline): Benign. Review status: criteria provided, single submitter (1 of 4 stars). 2 submissions from 2 submitters: Benign (1). 1 of the submissions does not count toward it. Last evaluated 2026-01-11.

Allele frequency attached by ClinVar (database versions not stated): gnomAD exomes 0.00006 and 0.00029; gnomAD 0.00011 and 0.00017; TOPMed 0.00012; ExAC 0.00030; 1000 Genomes Project 30x 0.00109; 1000 Genomes Project 0.00120.
gnomAD v4.1: 132 of 1,577,944 alleles (0.0084%); highest among the groups gnomAD compares: East Asian, 0.23%; no homozygotes.

Submissions (8):

Labcorp Genetics (formerly Invitae), Labcorp
Classification: Benign. Last evaluated: 2026-01-11. Review status: criteria provided, single submitter. Criteria: Invitae Variant Classification Sherloc (09022015). Collection method: clinical testing. Allele origin: germline.

ITMI
No classification provided. Condition: AllHighlyPenetrant. Last evaluated: 2013-09-19. Review status: no classification provided. Collection method: reference population. Allele origin: germline. Not counted in ClinVar's aggregate classification.
Comment: Please see associated publication for description of ethnicities

Dr. Peter K. Rogan Lab, Western University
No classification provided (evidence only). Condition: Malignant tumor of urinary bladder. Review status: no classification provided. Collection method: in vitro. Allele origin: not applicable. Functional consequence: retained intron. Not counted in ClinVar's aggregate classification.

Dr. Peter K. Rogan Lab, Western University
No classification provided (evidence only). Condition: Lung cancer. Review status: no classification provided. Collection method: in vitro. Allele origin: not applicable. Functional consequence: retained intron. Not counted in ClinVar's aggregate classification.

Dr. Peter K. Rogan Lab, Western University
No classification provided (evidence only). Condition: Familial cancer of breast. Review status: no classification provided. Collection method: in vitro. Allele origin: not applicable. Functional consequence: retained intron. Not counted in ClinVar's aggregate classification.

Dr. Peter K. Rogan Lab, Western University
No classification provided (evidence only). Condition: Thyroid cancer, nonmedullary, 1. Review status: no classification provided. Collection method: in vitro. Allele origin: not applicable. Functional consequence: retained intron. Not counted in ClinVar's aggregate classification.

Dr. Peter K. Rogan Lab, Western University
No classification provided (evidence only). Condition: Cervical cancer. Review status: no classification provided. Collection method: in vitro. Allele origin: not applicable. Functional consequence: retained intron. Not counted in ClinVar's aggregate classification.

Dr. Peter K. Rogan Lab, Western University
No classification provided (evidence only). Condition: Malignant tumor of esophagus. Review status: no classification provided. Collection method: in vitro. Allele origin: not applicable. Functional consequence: retained intron. Not counted in ClinVar's aggregate classification.

Literature cited by the submitters: PubMed 24728327 (cited by ITMI).

NM_006164.5(NFE2L2):c.402+13A>G

Gene: NFE2L2 (NFE2 like bZIP transcription factor 2; minus strand). Cytogenetic location: 2q31.2.
Variant type: single nucleotide variant.
Coding change: c.402+13A>G on transcript NM_006164.5 (MANE Select); 13 bases into the intron after coding-DNA position 402, A replaced by G.
Molecular consequence: intron variant.
Genome position (GRCh38, 1-based): chr2:177,233,237, T>C on the plus strand (A>G on the coding strand, the complement: NFE2L2 is on the minus strand). VCF-style: chr2-177233237-T-C. GRCh37 (hg19) VCF-style: chr2-178097965-T-C.
Other names: c.354+13A>G (NM_001313900.1, NM_001313901.1, NM_001145413.3 and 1 more transcripts); c.102+13A>G (NM_001313904.1); c.183+13A>G (NM_001313903.2); c.313-654A>G (NM_001313902.2).
Identifiers: ClinVar variation 135571 (VCV000135571.10), dbSNP rs191231706, ClinGen allele CA163020.